The following is an entry in ClinVar:

NM_001267550.2(TTN):c.86234C>G (p.Ala28745Gly)

Genes: TTN (titin; minus strand), TTN-AS1 (TTN antisense RNA 1; plus strand). Cytogenetic location: 2q31.2.
Variant type: single nucleotide variant.
Coding change: c.86234C>G on transcript NM_001267550.2 (MANE Select); coding-DNA position 86234, C replaced by G.
Protein change: p.Ala28745Gly; replaces alanine 28745 with glycine.
Molecular consequence: missense variant.
Genome position (GRCh38, 1-based): chr2:178,559,898, G>C on the plus strand (C>G on the coding strand, the complement: TTN is on the minus strand). VCF-style: chr2-178559898-G-C. GRCh37 (hg19) VCF-style: chr2-179424625-G-C.
Other names: c.81311C>G, p.Ala27104Gly (NM_001256850.1); c.59039C>G, p.Ala19680Gly (NM_003319.4); c.78530C>G, p.Ala26177Gly (NM_133378.4); c.59414C>G, p.Ala19805Gly (NM_133432.3); c.59615C>G, p.Ala19872Gly (NM_133437.4); short protein forms A26177G, A28745G, A19680G, A19805G, A27104G, A19872G.
Identifiers: ClinVar variation 499884 (VCV000499884.8), dbSNP rs377367951, ClinGen allele CA1988533.
Genomic context (GRCh38, chr2:178,559,898, plus strand): 5'-ATCAAGGTCTTCCTCATTTCACTGTCAATATCAAATAAAGGTTCTTCTTCTCTTTCCTTT[G>C]CTATCTGAGGGTCAGAGCTATCACTGGGGTCACTAGCACCAACCTTATTGACAGATTTTA-3'
Protein context (NP_001254479.2, residues 28735-28755): DPSDSSDPQI[Ala28745Gly]KEREEEPLFD

ClinVar aggregate classification (germline): Conflicting classifications of pathogenicity. Review status: criteria provided, conflicting classifications (1 of 4 stars). 4 submissions from 4 submitters: Uncertain significance (3); Likely benign (1). Last evaluated 2025-12-30.

Conditions:
TTN-related disorder. Also called: TTN-related condition; TTN-related disease; TTN-related disorders.
Intellectual disability. Also called: Intellectual functioning disability; intellectual disabilities; Intellectual developmental disorder. Identifiers: MedGen C3714756, MeSH D008607, MONDO:0001071, HP:0001249.

Allele frequency attached by ClinVar (database versions not stated): TOPMed 0.00002; gnomAD 0.00004; ESP Exome Variant Server 0.00008.
gnomAD v4.1: 67 of 1,613,256 alleles (0.0042%); highest among the groups gnomAD compares: Non-Finnish European, 0.0045%; no homozygotes.

Submissions (4):

PreventionGenetics, part of Exact Sciences
Classification: Uncertain significance for TTN-related condition. Last evaluated: 2025-12-30. Review status: criteria provided, single submitter. Criteria: ACMG Guidelines, 2015. Collection method: clinical testing. Allele origin: germline.
Comment: The TTN c.86234C>G variant is predicted to result in the amino acid substitution p.Ala28745Gly. To our knowledge, this variant has not been reported in the literature. This variant is reported in 0.024% of alleles in individuals of European (Finnish) descent in gnomAD. At this time, the clinical significance of this variant is uncertain due to the absence of conclusive functional and genetic evidence.

Blueprint Genetics
Classification: Likely benign. Last evaluated: 2023-09-20. Review status: criteria provided, single submitter. Criteria: ACMG Guidelines, 2015. Collection method: clinical testing. Allele origin: germline.

Cambridge Genomics Laboratory, East Genomic Laboratory Hub, NHS Genomic Medicine Service
Classification: Uncertain significance for Intellectual disability. Last evaluated: 2019-04-17. Review status: criteria provided, single submitter. Criteria: ACGS Best Practice Guidelines for Variant Classification in Rare Disease 2020. Collection method: clinical testing. Allele origin: germline. Affected: yes. Observed: 1 variant allele.

Eurofins Ntd Llc (ga)
Classification: Uncertain significance. Last evaluated: 2017-01-18. Review status: criteria provided, single submitter. Criteria: EGL Classification Definitions 2015. Collection method: clinical testing. Allele origin: germline. Observed: 1 variant allele, 1 heterozygote.